The following is an entry in ClinVar:

NM_007294.4(BRCA1):c.5333-1G>C

Gene: BRCA1 (BRCA1 DNA repair associated; minus strand). Cytogenetic location: 17q21.31.
Variant type: single nucleotide variant.
Coding change: c.5333-1G>C on transcript NM_007294.4 (MANE Select); the canonical splice acceptor site of the intron before coding-DNA position 5333, G replaced by C.
Molecular consequence: splice acceptor variant. On other transcripts: intron variant (19).
Genome position (GRCh38, 1-based): chr17:43,049,195, C>G on the plus strand (G>C on the coding strand, the complement: BRCA1 is on the minus strand). VCF-style: chr17-43049195-C-G. GRCh37 (hg19) VCF-style: chr17-41201212-C-G.
Other names: IVS21-1G>C; c.5120-1G>C (NM_001407898.1, NM_001407894.1, NM_001407909.1 and 12 more transcripts); c.5123-1G>C (NM_001407881.1, NM_001407887.1, NM_001407889.1 and 5 more transcripts); c.5066-1G>C (NM_001407932.1, NM_001407928.1, NM_001407929.1 and 4 more transcripts); c.1880-1G>C (NM_001408464.1, NM_001408467.1, NM_001408459.1 and 7 more transcripts); c.5189-1G>C (NM_001407742.1, NM_001407736.1, NM_001407744.1 and 18 more transcripts); c.1760-1G>C (NM_001408498.1, NM_001408496.1, NM_001408501.1 and 3 more transcripts); c.5069-1G>C (NM_001407925.1, NM_001407924.1, NM_001407921.1 and 4 more transcripts); and 85 more.
Identifiers: ClinVar variation 55534 (VCV000055534.21), dbSNP rs80358126, ClinGen allele CA003496.

ClinVar aggregate classification (germline): Pathogenic/Likely pathogenic. Review status: criteria provided, multiple submitters, no conflicts (2 of 4 stars). 5 submissions from 5 submitters: Pathogenic (3); Likely pathogenic (1). 1 of the submissions does not count toward it. Last evaluated 2021-11-10.

Conditions:
Hereditary cancer-predisposing syndrome. Also called: Hereditary Cancer Syndrome; Hereditary neoplastic syndrome; Neoplastic Syndromes, Hereditary; Tumor predisposition. Identifiers: Orphanet 140162, MedGen C0027672, MeSH D009386, MONDO:0015356.
Breast-ovarian cancer, familial, susceptibility to, 1 (BROVCA1). Also called: BRCA1 Hereditary Breast and Ovarian Cancer; OVARIAN CANCER, SUSCEPTIBILITY TO. Identifiers: Orphanet 145, MedGen C2676676, MONDO:0011450, OMIM 604370. Disease mechanism: loss of function.
Hereditary breast ovarian cancer syndrome. Also called: BRCA1- and BRCA2-Associated Hereditary Breast and Ovarian Cancer; Hereditary breast and ovarian cancer syndrome; Hereditary breast and ovarian cancer syndrome (HBOC); Breast and ovarian cancer; Hereditary breast and/or ovarian cancer syndrome; Hereditary breast and ovarian cancer. Identifiers: Orphanet 145, MedGen C0677776, MeSH D061325, MONDO:0003582. Disease mechanism: loss of function.

Submissions (6):

Color Diagnostics, LLC DBA Color Health
Classification: Likely pathogenic for Hereditary cancer-predisposing syndrome. Last evaluated: 2021-11-10. Review status: criteria provided, single submitter. Criteria: ACMG Guidelines, 2015. Collection method: clinical testing. Allele origin: germline.
Comment: This variant causes a G to C nucleotide substitution at the -1 position of intron 20 of the BRCA1 gene. Splice site prediction tools predict that this variant may have a significant impact on RNA splicing. Although this prediction has not been confirmed in published RNA studies, two different canonical splice site variants at this splice acceptor site have been reported to cause the out-of-frame skipping of exon 21 (PMID: 23239986, 29310832). A functional study has reported that this variant impacts BRCA1 function in a haploid human cell proliferation assay (PMID: 30209399). This variant has been reported in an individual affected with breast cancer (PMID: 19215791). Other canonical splice acceptor site variant in intron 20 have been reported as disease-causing in ClinVar (variation ID 55533, 55535, 55536, 267600, 449937) and reported in individuals and families affected with breast cancer (PMID: 19941162, 23239986, 29310832, 30350268). This variant has not been identified in the general population by the Genome Aggregation Database (gnomAD). Loss of BRCA1 function is a known mechanism of disease. Based on the available evidence, this variant is classified as Likely Pathogenic.

Labcorp Genetics (formerly Invitae), Labcorp
Classification: Pathogenic for Hereditary breast ovarian cancer syndrome. Last evaluated: 2021-04-16. Review status: criteria provided, single submitter. Criteria: Invitae Variant Classification Sherloc (09022015). Collection method: clinical testing. Allele origin: germline.
Comment: For these reasons, this variant has been classified as Pathogenic. Algorithms developed to predict the effect of sequence changes on RNA splicing suggest that this variant may disrupt the consensus splice site, but this prediction has not been confirmed by published transcriptional studies. Experimental studies have shown that this variant affects BRCA1 protein function (PMID: 30209399). This variant has been observed in individual(s) with breast cancer (PMID: 19215791). This variant is also known as 5452-1G>C in the literature. ClinVar contains an entry for this variant (Variation ID: 55534). This variant is not present in population databases (ExAC no frequency). This sequence change affects an acceptor splice site in intron 20 of the BRCA1 gene. It is expected to disrupt RNA splicing. Variants that disrupt the donor or acceptor splice site typically lead to a loss of protein function (PMID: 16199547), and loss-of-function variants in BRCA1 are known to be pathogenic (PMID: 20104584).

Ambry Genetics
Classification: Pathogenic for Hereditary cancer-predisposing syndrome. Last evaluated: 2020-07-08. Review status: criteria provided, single submitter. Criteria: Ambry Variant Classification Scheme 2023. Collection method: clinical testing. Allele origin: germline.
Comment: The c.5333-1G>C intronic pathogenic mutation results from a G to C substitution one nucleotide upstream from coding exon 20 of the BRCA1 gene. This alteration was identified in a large, worldwide study of BRCA1/2 mutation-positive families (Rebbeck TR et al. Hum. Mutat. 2018 05;39:593-620). Additionally, a functional study found that this nucleotide substitution is deleterious in a high throughput genome editing haploid cell survival assay (Findlay GM et al. Nature. 2018 10;562:217-222). In addition to the clinical data presented in the literature, alterations that disrupt the canonical splice site are expected to cause aberrant splicing, resulting in an abnormal protein or a transcript that is subject to nonsense-mediated mRNA decay. Based on the supporting evidence, this alteration is interpreted as a disease-causing mutation.

Consortium of Investigators of Modifiers of BRCA1/2 (CIMBA), c/o University of Cambridge
Classification: Pathogenic for Breast-ovarian cancer, familial, susceptibility to, 1. Last evaluated: 2015-10-02. Review status: criteria provided, single submitter. Criteria: CIMBA Mutation Classification guidelines May 2016. Collection method: clinical testing. Allele origin: germline.

Breast Cancer Information Core (BIC) (BRCA1)
Classification: Pathogenic for Breast-ovarian cancer, familial 1. Last evaluated: 2002-05-29. Review status: no assertion criteria provided. Collection method: clinical testing. Allele origin: germline. Affected: yes. Observed: 1 variant allele. Not counted in ClinVar's aggregate classification.

Brotman Baty Institute, University of Washington
No classification provided (evidence only). Condition: Breast-ovarian cancer, familial 1. Review status: no classification provided. Collection method: in vitro. Allele origin: not applicable. Functional consequence: functionally_abnormal. Not counted in ClinVar's aggregate classification.
ClinVar note: "not provided" was previously submitted as the classification for the variant. However, the classification appeared to be based only on an observation of functional data so it was converted to no classification on 2025-07-30.

Literature cited by the submitters: PubMed 19215791 (cited by Color Diagnostics, LLC DBA Color Health and Labcorp Genetics (formerly Invitae), Labcorp); PubMed 19941162 (cited by Color Diagnostics, LLC DBA Color Health); PubMed 23239986 (cited by Color Diagnostics, LLC DBA Color Health); PubMed 29310832 (cited by Color Diagnostics, LLC DBA Color Health); PubMed 30209399 (cited by 3 submitters); PubMed 30350268 (cited by Color Diagnostics, LLC DBA Color Health); PubMed 16199547 (cited by Labcorp Genetics (formerly Invitae), Labcorp); PubMed 20104584 (cited by Labcorp Genetics (formerly Invitae), Labcorp); PubMed 29446198 (cited by Ambry Genetics).